The following is an entry in ClinVar:

ClinVar aggregate classification (germline): Uncertain significance (1 of 4 stars; one submission).

Conditions:
Cardiovascular phenotype. Identifiers: MedGen CN230736.

Allele frequency attached by ClinVar (database versions not stated): gnomAD exomes below 0.00001; gnomAD 0.00001.
gnomAD v4.1: 2 of 1,550,680 alleles (0.00013%); highest among the groups gnomAD compares: African/African-American, 0.0027%; no homozygotes.

Submission:

Ambry Genetics
Classification: Uncertain significance for Cardiovascular phenotype. Last evaluated: 2023-03-23. Review status: criteria provided, single submitter. Criteria: Ambry Variant Classification Scheme 2023. Collection method: clinical testing. Allele origin: germline.
Comment: The p.K2734M variant (also known as c.8201A>T), located in coding exon 2 of the ZNF469 gene, results from an A to T substitution at nucleotide position 8201. The lysine at codon 2734 is replaced by methionine, an amino acid with similar properties. This amino acid position is conserved. In addition, this alteration is predicted to be tolerated by in silico analysis. Since supporting evidence is limited at this time, the clinical significance of this alteration remains unclear.

NM_001367624.2(ZNF469):c.8285A>T (p.Lys2762Met)

Gene: ZNF469 (zinc finger protein 469; plus strand). Cytogenetic location: 16q24.2.
Variant type: single nucleotide variant.
Coding change: c.8285A>T on transcript NM_001367624.2 (MANE Select); coding-DNA position 8285, A replaced by T.
Protein change: p.Lys2762Met; replaces lysine 2762 with methionine.
Molecular consequence: missense variant.
Genome position (GRCh38, 1-based): chr16:88,435,755, A>T. VCF-style: chr16-88435755-A-T. GRCh37 (hg19) VCF-style: chr16-88502163-A-T.
Other names: NM_001127464.1:c.8201A>T; short protein forms K2762M.
Identifiers: ClinVar variation 2564202 (VCV002564202.2), dbSNP rs1906526373, ClinGen allele CA397117140.